The following is an entry in ClinVar:

ClinVar aggregate classification (germline): Uncertain significance. Review status: criteria provided, multiple submitters, no conflicts (2 of 4 stars). 2 submissions from 2 submitters: Uncertain significance (2). Last evaluated 2025-09-01.

Conditions:
Familial acute necrotizing encephalopathy (IIAE3). Also called: ENCEPHALOPATHY, ACUTE, INFECTION-INDUCED, SUSCEPTIBILITY TO, 3; Susceptibility to Acute Necrotizing Encephalopathy 1. Identifiers: Orphanet 88619, MedGen C2675556, MONDO:0011953, OMIM 608033.

Allele frequency attached by ClinVar (database versions not stated): ExAC 0.00001; TOPMed 0.00002; gnomAD 0.00003.
gnomAD v4.1: 15 of 1,611,852 alleles (0.00093%); highest among the groups gnomAD compares: African/African-American, 0.019%; no homozygotes.

Submissions (2):

Ambry Genetics
Classification: Uncertain significance. Last evaluated: 2025-09-01. Review status: criteria provided, single submitter. Criteria: Ambry Variant Classification Scheme 2023. Collection method: clinical testing. Allele origin: germline.

Labcorp Genetics (formerly Invitae), Labcorp
Classification: Uncertain significance for Familial acute necrotizing encephalopathy. Last evaluated: 2023-12-07. Review status: criteria provided, single submitter. Criteria: Invitae Variant Classification Sherloc (09022015). Collection method: clinical testing. Allele origin: germline.
Comment: This sequence change replaces glycine, which is neutral and non-polar, with aspartic acid, which is acidic and polar, at codon 1929 of the RANBP2 protein (p.Gly1929Asp). This variant is present in population databases (rs778007786, gnomAD 0.007%). This variant has not been reported in the literature in individuals affected with RANBP2-related conditions. ClinVar contains an entry for this variant (Variation ID: 1000143). Advanced modeling of protein sequence and biophysical properties (such as structural, functional, and spatial information, amino acid conservation, physicochemical variation, residue mobility, and thermodynamic stability) performed at Invitae indicates that this missense variant is not expected to disrupt RANBP2 protein function with a negative predictive value of 80%. In summary, the available evidence is currently insufficient to determine the role of this variant in disease. Therefore, it has been classified as a Variant of Uncertain Significance.

NM_006267.5(RANBP2):c.5786G>A (p.Gly1929Asp)

Gene: RANBP2 (RAN binding protein 2; plus strand). Cytogenetic location: 2q13.
Variant type: single nucleotide variant.
Coding change: c.5786G>A on transcript NM_006267.5 (MANE Select); coding-DNA position 5786, G replaced by A.
Protein change: p.Gly1929Asp; replaces glycine 1929 with aspartic acid.
Molecular consequence: missense variant.
Genome position (GRCh38, 1-based): chr2:108,766,325, G>A. VCF-style: chr2-108766325-G-A. GRCh37 (hg19) VCF-style: chr2-109382781-G-A.
Other names: c.5786G>A (NM_006267.4); short protein forms G1929D.
Identifiers: ClinVar variation 1000143 (VCV001000143.10), dbSNP rs778007786, ClinGen allele CA1823337.